The following is an entry in ClinVar:

ClinVar aggregate classification (germline): Uncertain significance (1 of 4 stars; one submission).

Conditions:
CHARGE syndrome (CHARGE). Also called: Hittner Hirsch Kreh syndrome; CHARGE ASSOCIATION--COLOBOMA, HEART ANOMALY, CHOANAL ATRESIA, RETARDATION, GENITAL AND EAR ANOMALIES; Coloboma, heart anomaly, choanal atresia, retardation, genital and ear anomalies; CHARGE association; Hall-Hittner syndrome. Identifiers: Orphanet 138, MedGen C0265354, MONDO:0008965.

Allele frequency attached by ClinVar (database versions not stated): gnomAD exomes below 0.00001.
gnomAD v4.1: 2 of 1,613,848 alleles (0.00012%); highest among the groups gnomAD compares: Non-Finnish European, 0.00017%; no homozygotes.

Submission:

Labcorp Genetics (formerly Invitae), Labcorp
Classification: Uncertain significance for CHARGE syndrome. Last evaluated: 2023-08-24. Review status: criteria provided, single submitter. Criteria: Invitae Variant Classification Sherloc (09022015). Collection method: clinical testing. Allele origin: germline.
Comment: In summary, the available evidence is currently insufficient to determine the role of this variant in disease. Therefore, it has been classified as a Variant of Uncertain Significance. Variants that disrupt the consensus splice site are a relatively common cause of aberrant splicing (PMID: 17576681, 9536098). Algorithms developed to predict the effect of sequence changes on RNA splicing suggest that this variant is not likely to affect RNA splicing. This variant has not been reported in the literature in individuals affected with SEMA3E-related conditions. This variant is not present in population databases (gnomAD no frequency). This sequence change falls in intron 4 of the SEMA3E gene. It does not directly change the encoded amino acid sequence of the SEMA3E protein. It affects a nucleotide within the consensus splice site.

Literature cited by the submitters: PubMed 17576681; PubMed 9536098.

NM_012431.3(SEMA3E):c.456+5G>A

Gene: SEMA3E (semaphorin 3E; minus strand). Cytogenetic location: 7q21.11.
Variant type: single nucleotide variant.
Coding change: c.456+5G>A on transcript NM_012431.3 (MANE Select); 5 bases into the intron after coding-DNA position 456, G replaced by A.
Molecular consequence: intron variant.
Genome position (GRCh38, 1-based): chr7:83,466,477, C>T on the plus strand (G>A on the coding strand, the complement: SEMA3E is on the minus strand). VCF-style: chr7-83466477-C-T. GRCh37 (hg19) VCF-style: chr7-83095793-C-T.
Other names: c.276+5G>A (NM_001178129.2).
Identifiers: ClinVar variation 2739358 (VCV002739358.3), dbSNP rs2484438509, ClinGen allele CA2683558878.
Genomic context (GRCh38, chr7:83,466,477, plus strand): 5'-TTTCTTTGAGAACAAGGTTGTTTTAAGCATTGTTTTTATTGACAGCAATGAATGAAACAT[C>T]TTACCTCCAAATGATATCCAACTCTGATGAAGGCACAAACTGGATCAAAAGCTCCAGTAC-3'